The following is an entry in ClinVar:

NM_001195518.2(MICU1):c.1233C>T (p.His411=)

Gene: MICU1 (mitochondrial calcium uptake 1; minus strand). Cytogenetic location: 10q22.1.
Variant type: single nucleotide variant.
Coding change: c.1233C>T on transcript NM_001195518.2 (MANE Select); coding-DNA position 1233, C replaced by T.
Protein change: p.His411=; no amino-acid change (histidine 411 retained).
Molecular consequence: synonymous variant.
Genome position (GRCh38, 1-based): chr10:72,375,820, G>A on the plus strand (C>T on the coding strand, the complement: MICU1 is on the minus strand). VCF-style: chr10-72375820-G-A. GRCh37 (hg19) VCF-style: chr10-74135578-G-A.
Other names: c.639C>T, p.His213= (NM_001195519.2); c.1251C>T, p.His417= (NM_001363513.2); c.1239C>T, p.His413= (NM_006077.4).
Identifiers: ClinVar variation 2640578 (VCV002640578.27), dbSNP rs1190554915, ClinGen allele CA470074952.

ClinVar aggregate classification (germline): Likely benign. Review status: criteria provided, multiple submitters, no conflicts (2 of 4 stars). 2 submissions from 2 submitters: Likely benign (2). Last evaluated 2024-01-01.

Allele frequency attached by ClinVar (database versions not stated): TOPMed below 0.00001; gnomAD exomes 0.00001.
gnomAD v4.1: 3 of 1,613,464 alleles (0.00019%); highest among the groups gnomAD compares: East Asian, 0.0045%; no homozygotes.

Submissions (2):

Labcorp Genetics (formerly Invitae), Labcorp
Classification: Likely benign. Last evaluated: 2024-01-01. Review status: criteria provided, single submitter. Criteria: Invitae Variant Classification Sherloc (09022015). Collection method: clinical testing. Allele origin: germline.

CeGaT Center for Human Genetics Tuebingen
Classification: Likely benign. Last evaluated: 2022-05-01. Review status: criteria provided, single submitter. Criteria: CeGaT Center For Human Genetics Tuebingen Variant Classification Criteria Version 2. Collection method: clinical testing. Allele origin: germline. Affected: yes. Observed: 1 variant allele.
Comment: MICU1: BP4, BP7